The following is an entry in ClinVar:

ClinVar aggregate classification (germline): Uncertain significance (1 of 4 stars; one submission).

Submission:

Labcorp Genetics (formerly Invitae), Labcorp
Classification: Uncertain significance. Last evaluated: 2022-05-28. Review status: criteria provided, single submitter. Criteria: Invitae Variant Classification Sherloc (09022015). Collection method: clinical testing. Allele origin: germline.
Comment: This sequence change replaces methionine, which is neutral and non-polar, with arginine, which is basic and polar, at codon 861 of the CTNNA1 protein (p.Met861Arg). This variant is not present in population databases (gnomAD no frequency). This variant has not been reported in the literature in individuals affected with CTNNA1-related conditions. Algorithms developed to predict the effect of missense changes on protein structure and function are either unavailable or do not agree on the potential impact of this missense change (SIFT: "Deleterious"; PolyPhen-2: "Possibly Damaging"; Align-GVGD: "Class C0"). In summary, the available evidence is currently insufficient to determine the role of this variant in disease. Therefore, it has been classified as a Variant of Uncertain Significance.

NM_001903.5(CTNNA1):c.2582T>G (p.Met861Arg)

Gene: CTNNA1 (catenin alpha 1; plus strand). Cytogenetic location: 5q31.2.
Variant type: single nucleotide variant.
Coding change: c.2582T>G on transcript NM_001903.5 (MANE Select); coding-DNA position 2582, T replaced by G.
Protein change: p.Met861Arg; replaces methionine 861 with arginine.
Molecular consequence: missense variant. On other transcripts: 3 prime UTR variant (5).
Genome position (GRCh38, 1-based): chr5:138,933,950, T>G. VCF-style: chr5-138933950-T-G. GRCh37 (hg19) VCF-style: chr5-138269639-T-G.
Other names: c.*127T>G (NM_001290307.3, NM_001324002.1, NM_001324003.1 and 2 more transcripts); c.2273T>G, p.Met758Arg (NM_001290309.3); c.2213T>G, p.Met738Arg (NM_001290310.3); c.1472T>G, p.Met491Arg (NM_001290312.1, NM_001323987.1, NM_001323988.1 and 12 more transcripts); c.2582T>G, p.Met861Arg (NM_001323982.2, NM_001323983.1, NM_001323984.2); c.2555T>G, p.Met852Arg (NM_001323985.2); c.2489T>G, p.Met830Arg (NM_001323986.2); c.1337T>G, p.Met446Arg (NM_001324001.1); and 3 more; short protein forms M410R, M460R, M758R, M738R, M852R, M378R, M491R, M830R.
Identifiers: ClinVar variation 1999828 (VCV001999828.4), dbSNP rs2533952907, ClinGen allele CA361135529.